The following is an entry in ClinVar:

ClinVar aggregate classification (germline): Benign/Likely benign. Review status: criteria provided, multiple submitters, no conflicts (2 of 4 stars). 6 submissions from 6 submitters: Benign (1); Likely benign (4). 1 of the submissions does not count toward it. Last evaluated 2026-01-17.

Conditions:
Charcot-Marie-Tooth disease type 4. Also called: Charcot-Marie-Tooth disease, type IV; Charcot-Marie-Tooth, Type 4. Identifiers: Orphanet 64749, MedGen C4082197, MONDO:0018995.
Charcot-Marie-Tooth disease. Also called: Charcot-Marie-Tooth Neuropathy; Charcot-Marie-Tooth Hereditary Neuropathy. Identifiers: Orphanet 166, MedGen C0007959, MONDO:0015626.
SH3TC2-related disorder. Also called: SH3TC2-related disorders; SH3TC2-related condition. Identifiers: MedGen CN239303.

Allele frequency attached by ClinVar (database versions not stated): gnomAD exomes 0.00015 and 0.00034; ExAC 0.00045; 1000 Genomes Project 30x 0.00125; 1000 Genomes Project 0.00140; gnomAD 0.00149 and 0.00154; TOPMed 0.00162; ESP Exome Variant Server 0.00192.
gnomAD v4.1: 460 of 1,614,230 alleles (0.028%); highest among the groups gnomAD compares: African/African-American, 0.55%; 6 homozygotes.

Submissions (6):

Labcorp Genetics (formerly Invitae), Labcorp
Classification: Benign for Charcot-Marie-Tooth disease type 4. Last evaluated: 2026-01-17. Review status: criteria provided, single submitter. Criteria: Invitae Variant Classification Sherloc (09022015). Collection method: clinical testing. Allele origin: germline.

Blueprint Genetics
Classification: Likely benign. Last evaluated: 2024-11-20. Review status: criteria provided, single submitter. Criteria: ACMG Guidelines, 2015. Collection method: clinical testing. Allele origin: germline.

ARUP Laboratories, Molecular Genetics and Genomics, ARUP Laboratories
Classification: Likely benign. Last evaluated: 2024-08-02. Review status: criteria provided, single submitter. Criteria: ARUP Molecular Germline Variant Investigation Process 2024. Collection method: clinical testing. Allele origin: germline.

GeneDx
Classification: Likely benign. Last evaluated: 2017-08-09. Review status: criteria provided, single submitter. Criteria: GeneDx Variant Classification (06012015). Collection method: clinical testing. Allele origin: germline. Affected: yes.
Comment: This variant is considered likely benign or benign based on one or more of the following criteria: it is a conservative change, it occurs at a poorly conserved position in the protein, it is predicted to be benign by multiple in silico algorithms, and/or has population frequency not consistent with disease.

Molecular Genetics Laboratory, London Health Sciences Centre
Classification: Likely benign for Charcot-Marie-Tooth disease. Review status: criteria provided, single submitter. Criteria: ACMG Guidelines, 2015. Collection method: clinical testing. Allele origin: germline. Affected: yes.

PreventionGenetics, part of Exact Sciences
Classification: Likely benign for SH3TC2-related condition. Last evaluated: 2019-03-26. Review status: no assertion criteria provided. Collection method: clinical testing. Allele origin: germline. Not counted in ClinVar's aggregate classification.
Comment: This variant is classified as likely benign based on ACMG/AMP sequence variant interpretation guidelines (Richards et al. 2015 PMID: 25741868, with internal and published modifications).

NM_024577.4(SH3TC2):c.2873-18T>C

Gene: SH3TC2 (SH3 domain and tetratricopeptide repeats 2; minus strand). Cytogenetic location: 5q32.
Variant type: single nucleotide variant.
Coding change: c.2873-18T>C on transcript NM_024577.4 (MANE Select); 18 bases into the intron before coding-DNA position 2873, T replaced by C.
Molecular consequence: intron variant.
Genome position (GRCh38, 1-based): chr5:149,026,770, A>G on the plus strand (T>C on the coding strand, the complement: SH3TC2 is on the minus strand). VCF-style: chr5-149026770-A-G. GRCh37 (hg19) VCF-style: chr5-148406333-A-G.
Identifiers: ClinVar variation 516658 (VCV000516658.14), dbSNP rs113514936, ClinGen allele CA3498902.